The following is an entry in ClinVar:

NM_000038.6(APC):c.6967T>C (p.Ser2323Pro)

Gene: APC (APC regulator of Wnt signaling pathway; plus strand). Cytogenetic location: 5q22.2.
Variant type: single nucleotide variant.
Coding change: c.6967T>C on transcript NM_000038.6 (MANE Select); coding-DNA position 6967, T replaced by C.
Protein change: p.Ser2323Pro; replaces serine 2323 with proline.
Molecular consequence: missense variant. On other transcripts: non-coding transcript variant (2).
Genome position (GRCh38, 1-based): chr5:112,842,561, T>C. VCF-style: chr5-112842561-T-C. GRCh37 (hg19) VCF-style: chr5-112178258-T-C.
Other names: c.6967T>C, p.Ser2323Pro (NM_001127510.3, NM_001354895.2, NM_001407450.1); c.6913T>C, p.Ser2305Pro (NM_001127511.3); c.7021T>C, p.Ser2341Pro (NM_001354896.2, NM_001407447.1, NM_001407448.1 and 1 more transcripts); c.6997T>C, p.Ser2333Pro (NM_001354897.2); c.6892T>C, p.Ser2298Pro (NM_001354898.2); c.6883T>C, p.Ser2295Pro (NM_001354899.2); c.6844T>C, p.Ser2282Pro (NM_001354900.2); c.6790T>C, p.Ser2264Pro (NM_001354901.2, NM_001407453.1); and 11 more; short protein forms S2222P, S2298P, S2163P, S2240P, S2313P, S2333P, S1939P, S2316P.
Identifiers: ClinVar variation 4772850 (VCV004772850.1).

ClinVar aggregate classification (germline): Uncertain significance (1 of 4 stars; one submission).

Conditions:
Familial adenomatous polyposis 1 (FAP1). Also called: FAMILIAL ADENOMATOUS POLYPOSIS 1, ATTENUATED; POLYPOSIS, ADENOMATOUS INTESTINAL. Identifiers: MedGen C2713442, MONDO:0021056, OMIM 175100. Disease mechanism: loss of function.

Submission:

Labcorp Genetics (formerly Invitae), Labcorp
Classification: Uncertain significance for Familial adenomatous polyposis 1. Last evaluated: 2025-07-14. Review status: criteria provided, single submitter. Criteria: Invitae Variant Classification Sherloc (09022015). Collection method: clinical testing. Allele origin: germline.
Comment: This sequence change replaces serine, which is neutral and polar, with proline, which is neutral and non-polar, at codon 2323 of the APC protein (p.Ser2323Pro). This variant is not present in population databases (gnomAD no frequency). This variant has not been reported in the literature in individuals affected with APC-related conditions. Invitae Evidence Modeling of protein sequence and biophysical properties (such as structural, functional, and spatial information, amino acid conservation, physicochemical variation, residue mobility, and thermodynamic stability) indicates that this missense variant is not expected to disrupt APC protein function with a negative predictive value of 95%. In summary, the available evidence is currently insufficient to determine the role of this variant in disease. Therefore, it has been classified as a Variant of Uncertain Significance.